The following is an entry in ClinVar:

ClinVar aggregate classification (germline): Uncertain significance (1 of 4 stars; one submission).

Allele frequency attached by ClinVar (database versions not stated): TOPMed below 0.00001; ExAC 0.00001.
gnomAD v4.1: 1 of 1,611,014 alleles (0.000062%); highest among the groups gnomAD compares: Admixed American, 0.0017%; no homozygotes.

Submission:

Labcorp Genetics (formerly Invitae), Labcorp
Classification: Uncertain significance. Last evaluated: 2022-10-19. Review status: criteria provided, single submitter. Criteria: Invitae Variant Classification Sherloc (09022015). Collection method: clinical testing. Allele origin: germline.
Comment: This sequence change replaces glutamine, which is neutral and polar, with proline, which is neutral and non-polar, at codon 1374 of the COL4A1 protein (p.Gln1374Pro). This variant is present in population databases (rs764685688, gnomAD 0.003%). This variant has not been reported in the literature in individuals affected with COL4A1-related conditions. Algorithms developed to predict the effect of missense changes on protein structure and function output the following: SIFT: "Tolerated"; PolyPhen-2: "Benign"; Align-GVGD: "Class C0". The proline amino acid residue is found in multiple mammalian species, which suggests that this missense change does not adversely affect protein function. In summary, the available evidence is currently insufficient to determine the role of this variant in disease. Therefore, it has been classified as a Variant of Uncertain Significance.

NM_001845.6(COL4A1):c.4121A>C (p.Gln1374Pro)

Gene: COL4A1 (collagen type IV alpha 1 chain; minus strand). Cytogenetic location: 13q34.
Variant type: single nucleotide variant.
Coding change: c.4121A>C on transcript NM_001845.6 (MANE Select); coding-DNA position 4121, A replaced by C.
Protein change: p.Gln1374Pro; replaces glutamine 1374 with proline.
Molecular consequence: missense variant.
Genome position (GRCh38, 1-based): chr13:110,164,891, T>G on the plus strand (A>C on the coding strand, the complement: COL4A1 is on the minus strand). VCF-style: chr13-110164891-T-G. GRCh37 (hg19) VCF-style: chr13-110817238-T-G.
Other names: short protein forms Q1374P.
Identifiers: ClinVar variation 1986054 (VCV001986054.4), dbSNP rs764685688, ClinGen allele CA7047017.
Genomic context (GRCh38, chr13:110,164,891, plus strand): 5'-ATACCGCCCTGCACAGGCCAAGCCTTCTCACCTTGCTGGCCTTTCGGGCCTGGCAGTCCC[T>G]GAAGCCCTTTCAGCCCTGGGGGGCCCTCAGGACCAGGGAGCCCGGGCTCCCCTTTGATGA-3'
Protein context (NP_001836.3, residues 1364-1384): PEGPPGLKGL[Gln1374Pro]GLPGPKGQQG